The following is an entry in ClinVar:

NM_006268.5(DPF2):c.637+406C>A

Gene: DPF2 (double PHD fingers 2; plus strand). Cytogenetic location: 11q13.1.
Variant type: single nucleotide variant.
Coding change: c.637+406C>A on transcript NM_006268.5 (MANE Select); 406 bases into the intron after coding-DNA position 637, C replaced by A.
Molecular consequence: intron variant.
Genome position (GRCh38, 1-based): chr11:65,344,475, C>A. VCF-style: chr11-65344475-C-A. GRCh37 (hg19) VCF-style: chr11-65111946-C-A.
Other names: c.638-105C>A (NM_001330308.2).
Identifiers: ClinVar variation 5041877 (VCV005041877.1).
Genomic context (GRCh38, chr11:65,344,475, plus strand): 5'-TTCTCTTTTTCTTTCTGTCTGCCTTGCCCCACTTCTGTCCCTCCACCCTGGGAGCACCAT[C>A]GCCGCTGGGGTTTCTCTCTCGTTTGCTCTGCTTTCCTGCTGCTGCTGCTCCTGTCTCAAG-3'

ClinVar aggregate classification (germline): Likely benign (1 of 4 stars; one submission).

gnomAD v4.1: 656 of 1,129,306 alleles (0.058%); highest among the groups gnomAD compares: Non-Finnish European, 0.073%; 2 homozygotes.

Submission:

CeGaT Center for Human Genetics Tuebingen
Classification: Likely benign. Last evaluated: 2026-08-01. Review status: criteria provided, single submitter. Criteria: CeGaT Center For Human Genetics Tuebingen Variant Classification Criteria Version 2. Collection method: clinical testing. Allele origin: germline. Affected: yes. Observed: 1 variant allele.
Comment: DPF2: BS2